The following is an entry in ClinVar:

NM_022051.3(EGLN1):c.1208A>G (p.Tyr403Cys)

Gene: EGLN1 (egl-9 family hypoxia inducible factor 1; minus strand). Cytogenetic location: 1q42.2.
Variant type: single nucleotide variant.
Coding change: c.1208A>G on transcript NM_022051.3 (MANE Select); coding-DNA position 1208, A replaced by G.
Protein change: p.Tyr403Cys; replaces tyrosine 403 with cysteine.
Molecular consequence: missense variant. On other transcripts: 3 prime UTR variant (1), intron variant (1).
Genome position (GRCh38, 1-based): chr1:231,367,577, T>C on the plus strand (A>G on the coding strand, the complement: EGLN1 is on the minus strand). VCF-style: chr1-231367577-T-C. GRCh37 (hg19) VCF-style: chr1-231503323-T-C.
Other names: c.*33A>G (NM_001377261.1); c.1149-1102A>G (NM_001377260.1); short protein forms Y403C.
Identifiers: ClinVar variation 2156395 (VCV002156395.4), dbSNP rs2527218999, ClinGen allele CA345239423.

ClinVar aggregate classification (germline): Uncertain significance (1 of 4 stars; one submission).

Conditions:
Erythrocytosis, familial, 3 (ECYT3). Identifiers: Orphanet 247511, MedGen C1853286, MONDO:0012353, OMIM 609820.

Allele frequency attached by ClinVar (database versions not stated): gnomAD exomes below 0.00001.
gnomAD v4.1: 3 of 1,614,076 alleles (0.00019%); highest among the groups gnomAD compares: Non-Finnish European, 0.00025%; no homozygotes.

Submission:

Labcorp Genetics (formerly Invitae), Labcorp
Classification: Uncertain significance for Erythrocytosis, familial, 3. Last evaluated: 2022-08-20. Review status: criteria provided, single submitter. Criteria: Invitae Variant Classification Sherloc (09022015). Collection method: clinical testing. Allele origin: germline.
Comment: In summary, the available evidence is currently insufficient to determine the role of this variant in disease. Therefore, it has been classified as a Variant of Uncertain Significance. Algorithms developed to predict the effect of missense changes on protein structure and function are either unavailable or do not agree on the potential impact of this missense change (SIFT: "Tolerated"; PolyPhen-2: "Probably Damaging"; Align-GVGD: "Class C15"). This variant has not been reported in the literature in individuals affected with EGLN1-related conditions. This variant is not present in population databases (gnomAD no frequency). This sequence change replaces tyrosine, which is neutral and polar, with cysteine, which is neutral and slightly polar, at codon 403 of the EGLN1 protein (p.Tyr403Cys).